The following is an entry in ClinVar:

ClinVar aggregate classification (germline): Uncertain significance (1 of 4 stars; one submission).

Submission:

GeneDx
Classification: Uncertain significance. Last evaluated: 2024-06-27. Review status: criteria provided, single submitter. Criteria: GeneDx Variant Classification Process June 2021. Collection method: clinical testing. Allele origin: germline. Affected: yes.
Comment: Not observed at significant frequency in large population cohorts (gnomAD); In silico analysis indicates that this missense variant does not alter protein structure/function; Has not been previously published as pathogenic or benign to our knowledge

NM_003611.3(OFD1):c.1432G>C (p.Glu478Gln)

Gene: OFD1 (OFD1 centriole and centriolar satellite protein; plus strand). Cytogenetic location: Xp22.2.
Variant type: single nucleotide variant.
Coding change: c.1432G>C on transcript NM_003611.3 (MANE Select); coding-DNA position 1432, G replaced by C.
Protein change: p.Glu478Gln; replaces glutamic acid 478 with glutamine.
Molecular consequence: missense variant.
Genome position (GRCh38, 1-based): chrX:13,757,680, G>C. VCF-style: chrX-13757680-G-C. GRCh37 (hg19) VCF-style: chrX-13775799-G-C.
Other names: c.1312G>C, p.Glu438Gln (NM_001330209.2); c.1012G>C, p.Glu338Gln (NM_001330210.2); short protein forms E338Q, E438Q, E478Q.
Identifiers: ClinVar variation 3392957 (VCV003392957.1).